The following is an entry in ClinVar:

NM_015274.3(MAN2B2):c.628A>T (p.Ile210Phe)

Gene: MAN2B2 (mannosidase alpha class 2B member 2; plus strand). Cytogenetic location: 4p16.1.
Variant type: single nucleotide variant.
Coding change: c.628A>T on transcript NM_015274.3 (MANE Select); coding-DNA position 628, A replaced by T.
Protein change: p.Ile210Phe; replaces isoleucine 210 with phenylalanine.
Molecular consequence: missense variant.
Genome position (GRCh38, 1-based): chr4:6,589,108, A>T. VCF-style: chr4-6589108-A-T. GRCh37 (hg19) VCF-style: chr4-6590835-A-T.
Other names: c.628A>T, p.Ile210Phe (NM_001292038.2); short protein forms I210F.
Identifiers: ClinVar variation 4689158 (VCV004689158.1).

ClinVar aggregate classification (germline): Benign (1 of 4 stars; one submission).

gnomAD v4.1: 2,802 of 1,614,178 alleles (0.17%); highest among the groups gnomAD compares: African/African-American, 3.1%; 48 homozygotes.

Submission:

Women's Health and Genetics/Laboratory Corporation of America, LabCorp
Classification: Benign. Last evaluated: 2026-01-28. Review status: criteria provided, single submitter. Criteria: LabCorp Variant Classification Summary - May 2015. Collection method: clinical testing. Allele origin: germline.
Comment: Variant summary: MAN2B2 c.628A>T (p.Ile210Phe) results in a non-conservative amino acid change in the encoded protein sequence. Algorithms developed to predict the effect of missense changes on protein structure and function are either unavailable or do not agree on the potential impact of this missense change. The variant allele was found at a frequency of 0.0022 in 251378 control chromosomes, predominantly at a frequency of 0.029 within the African or African-American subpopulation in the gnomAD database, including 8 homozygotes. The observed variant frequency within African or African-American control individuals in the gnomAD database exceeds the estimated maximal expected allele frequency for disease-causing variants in MAN2B2. To our knowledge, no occurrence of c.628A>T in individuals affected with MAN2B2-related conditions and no experimental evidence demonstrating its impact on protein function have been reported. No submitters have cited clinical-significance assessments for this variant to ClinVar. Based on the evidence outlined above, the variant was classified as benign.